The following is an entry in ClinVar:

ClinVar aggregate classification (germline): Pathogenic/Likely pathogenic. Review status: criteria provided, multiple submitters, no conflicts (2 of 4 stars). 3 submissions from 3 submitters: Pathogenic (1); Likely pathogenic (1). 1 of the submissions does not count toward it. Last evaluated 2025-08-01.

Conditions:
GM1 gangliosidosis type 3. Also called: GANGLIOSIDOSIS, GENERALIZED GM1, ADULT TYPE; GANGLIOSIDOSIS, GENERALIZED GM1, CHRONIC TYPE; GANGLIOSIDOSIS, GENERALIZED GM1, TYPE III; GM1-GANGLIOSIDOSIS, TYPE III; Beta-galactosidase deficiency; Adult GM1 gangliosidosis. Identifiers: Orphanet 79257, MedGen C0268273, MONDO:0009262, OMIM 230650.
GM1 gangliosidosis type 2. Also called: GANGLIOSIDOSIS, GENERALIZED GM1, JUVENILE TYPE; GANGLIOSIDOSIS, GENERALIZED GM1, TYPE II; GM1-GANGLIOSIDOSIS, TYPE II; Juvenile GM>1< gangliosidosis; Gangliosidosis, Generalized GM1, Type 2. Identifiers: Orphanet 354, Orphanet 79256, MedGen C0268272, MONDO:0009261, OMIM 230600.
Infantile GM1 gangliosidosis. Also called: GM1 gangliosidosis type 1; GM1-gangliosidosis, type I; Gangliosidosis, generalized GM1, infantile form; GLB1 deficiency; Gangliosidosis, Generalized GM1, Type 1. Identifiers: Orphanet 354, Orphanet 79255, MedGen C0268271, MONDO:0009260, OMIM 230500.
Mucopolysaccharidosis, MPS-IV-B (MPS4B). Also called: Mucopolysaccharidosis type 4B; Mucopolysaccharidosis Type IVB (Morquio B Disease); MORQUIO SYNDROME B; Mucopolysaccharidosis type IVB (Morquio); MPS IVB; Mucopolysaccharidosis type IV B. Identifiers: Orphanet 309310, Orphanet 582, MedGen C0086652, MONDO:0009660, OMIM 253010.
GM1 gangliosidosis. Identifiers: Orphanet 354, MedGen C0085131, MONDO:0018149.

Allele frequency attached by ClinVar (database versions not stated): gnomAD exomes below 0.00001 and 0.00001; ExAC 0.00001; gnomAD 0.00001; 1000 Genomes Project 0.00020; 1000 Genomes Project 30x 0.00031.
gnomAD v4.1: 3 of 1,613,740 alleles (0.00019%); highest among the groups gnomAD compares: East Asian, 0.0067%; no homozygotes.

Submissions (3):

Natera, Inc.
Classification: Likely pathogenic for Mucopolysaccharidosis, MPS-IV-B. Last evaluated: 2025-08-01. Review status: criteria provided, single submitter. Criteria: Natera Variant Classification Schema (03/2026). Collection method: clinical testing. Allele origin: germline.
Comment: The c.1481G>T variant in GLB1 is a missense variant predicted to cause substitution of glycine to valine at amino acid 494. This variant is rare in the general population with a frequency below the threshold expected for the associated phenotype(s). This variant has been observed in one or more individuals affected with the associated recessive disease, as either homozygous or compound heterozygous with a second variant (PMID: 20920281). Functional studies show that this variant may disrupt protein function (PMID: 20920281). Computational prediction algorithms indicate this variant is likely to affect gene or protein function. Given the available evidence, this variant is classified as Likely Pathogenic.

Labcorp Genetics (formerly Invitae), Labcorp
Classification: Pathogenic for Mucopolysaccharidosis, MPS-IV-B; GM1 gangliosidosis. Last evaluated: 2024-02-23. Review status: criteria provided, single submitter. Criteria: Invitae Variant Classification Sherloc (09022015). Collection method: clinical testing. Allele origin: germline.
Comment: This sequence change replaces glycine, which is neutral and non-polar, with valine, which is neutral and non-polar, at codon 494 of the GLB1 protein (p.Gly494Val). The frequency data for this variant in the population databases is considered unreliable, as metrics indicate poor data quality at this position in the gnomAD database. This missense change has been observed in individual(s) with GM1-gangliosidosis (PMID: 20920281, 30267299). In at least one individual the data is consistent with being in trans (on the opposite chromosome) from a pathogenic variant. ClinVar contains an entry for this variant (Variation ID: 550166). An algorithm developed to predict the effect of missense changes on protein structure and function (PolyPhen-2) suggests that this variant is likely to be disruptive. Experimental studies have shown that this missense change affects GLB1 function (PMID: 20920281). This variant disrupts the p.Gly494 amino acid residue in GLB1. Other variant(s) that disrupt this residue have been observed in individuals with GLB1-related conditions (PMID: 16941474), which suggests that this may be a clinically significant amino acid residue. For these reasons, this variant has been classified as Pathogenic.

Counsyl
Classification: Uncertain significance for Infantile GM1 gangliosidosis; GM1 gangliosidosis type 2; GM1 gangliosidosis type 3; Mucopolysaccharidosis, MPS-IV-B. Last evaluated: 2017-05-19. Review status: no assertion criteria provided. Collection method: clinical testing. Allele origin: unknown. Not counted in ClinVar's aggregate classification.

Literature cited by the submitters: PubMed 20920281 (cited by 3 submitters); PubMed 30267299 (cited by Labcorp Genetics (formerly Invitae), Labcorp); PubMed 16941474 (cited by Labcorp Genetics (formerly Invitae), Labcorp).

NM_000404.4(GLB1):c.1481G>T (p.Gly494Val)

Gene: GLB1 (galactosidase beta 1; minus strand). Cytogenetic location: 3p22.3.
Variant type: single nucleotide variant.
Coding change: c.1481G>T on transcript NM_000404.4 (MANE Select); coding-DNA position 1481, G replaced by T.
Protein change: p.Gly494Val; replaces glycine 494 with valine.
Molecular consequence: missense variant.
Genome position (GRCh38, 1-based): chr3:33,014,309, C>A on the plus strand (G>T on the coding strand, the complement: GLB1 is on the minus strand). VCF-style: chr3-33014309-C-A. GRCh37 (hg19) VCF-style: chr3-33055801-C-A.
Other names: c.1481G>T (NM_000404.3); c.1391G>T, p.Gly464Val (NM_001079811.3); c.1088G>T, p.Gly363Val (NM_001135602.3); c.1625G>T, p.Gly542Val (NM_001317040.2); c.1481G>T, p.Gly494Val (NM_001393580.1); short protein forms G494V, G542V, G363V, G464V.
Identifiers: ClinVar variation 550166 (VCV000550166.5), dbSNP rs202007119, ClinGen allele CA2299373.
Genomic context (GRCh38, chr3:33,014,309, plus strand): 5'-AGTGGAAAGATCGTCCAGTCCGTGAGGATATTGGAACTGAGAGTCAGGTTAGAAACCAAA[C>A]CCTGCAAAGCAGAAACAGAGCACAGTGAGCTGGGGAGGGAAGGAAAAAGGCTTCACATGT-3'
Protein context (NP_000395.3, residues 484-504): NYGAYINDFK[Gly494Val]LVSNLTLSSN